The following is an entry in ClinVar:

NM_054012.4(ASS1):c.458G>A (p.Arg153Gln)

Gene: ASS1 (argininosuccinate synthase 1; plus strand). Cytogenetic location: 9q34.11.
Variant type: single nucleotide variant.
Coding change: c.458G>A on transcript NM_054012.4 (MANE Select); coding-DNA position 458, G replaced by A.
Protein change: p.Arg153Gln; replaces arginine 153 with glutamine.
Molecular consequence: missense variant.
Genome position (GRCh38, 1-based): chr9:130,466,762, G>A. VCF-style: chr9-130466762-G-A. GRCh37 (hg19) VCF-style: chr9-133342149-G-A.
Other names: c.458G>A, p.Arg153Gln (NM_000050.4); short protein forms R153Q.
Identifiers: ClinVar variation 365255 (VCV000365255.14), dbSNP rs373239430, ClinGen allele CA5283293.

ClinVar aggregate classification (germline): Uncertain significance. Review status: criteria provided, multiple submitters, no conflicts (2 of 4 stars). 6 submissions from 6 submitters: Uncertain significance (6). Last evaluated 2025-04-01.

Conditions:
Inborn genetic diseases. Identifiers: MedGen C0950123, MeSH D030342.
Citrullinemia. Identifiers: Orphanet 187, MedGen C0175683, MONDO:0015991.
Citrullinemia type I (CTNL1). Also called: ASS DEFICIENCY; argininosuccinate synthetase deficiency. Identifiers: Orphanet 247525, MedGen C4721769, MONDO:0008988, OMIM 215700.

Allele frequency attached by ClinVar (database versions not stated): gnomAD 0.00006 and 0.00007; TOPMed 0.00007; ESP Exome Variant Server 0.00008; 1000 Genomes Project 30x 0.00016; 1000 Genomes Project 0.00020.
gnomAD v4.1: 69 of 1,614,122 alleles (0.0043%); highest among the groups gnomAD compares: South Asian, 0.018%; no homozygotes.

Submissions (6):

Ambry Genetics
Classification: Uncertain significance for Inborn genetic diseases. Last evaluated: 2025-04-01. Review status: criteria provided, single submitter. Criteria: Ambry Variant Classification Scheme 2023. Collection method: clinical testing. Allele origin: germline.

Blueprint Genetics
Classification: Uncertain significance. Last evaluated: 2024-10-11. Review status: criteria provided, single submitter. Criteria: ACMG Guidelines, 2015. Collection method: clinical testing. Allele origin: germline.

Labcorp Genetics (formerly Invitae), Labcorp
Classification: Uncertain significance for Citrullinemia. Last evaluated: 2024-02-24. Review status: criteria provided, single submitter. Criteria: Invitae Variant Classification Sherloc (09022015). Collection method: clinical testing. Allele origin: germline.
Comment: This sequence change replaces arginine, which is basic and polar, with glutamine, which is neutral and polar, at codon 153 of the ASS1 protein (p.Arg153Gln). This variant is present in population databases (rs373239430, gnomAD 0.02%). This variant has not been reported in the literature in individuals affected with ASS1-related conditions. ClinVar contains an entry for this variant (Variation ID: 365255). Advanced modeling of protein sequence and biophysical properties (such as structural, functional, and spatial information, amino acid conservation, physicochemical variation, residue mobility, and thermodynamic stability) has been performed at Invitae for this missense variant, however the output from this modeling did not meet the statistical confidence thresholds required to predict the impact of this variant on ASS1 protein function. In summary, the available evidence is currently insufficient to determine the role of this variant in disease. Therefore, it has been classified as a Variant of Uncertain Significance.

Revvity Omics, Revvity
Classification: Uncertain significance for Citrullinemia type I. Last evaluated: 2020-08-31. Review status: criteria provided, single submitter. Criteria: ACMG Guidelines, 2015. Collection method: clinical testing. Allele origin: germline.

Illumina Laboratory Services, Illumina
Classification: Uncertain significance for Citrullinemia type I. Last evaluated: 2018-01-13. Review status: criteria provided, single submitter. Criteria: ICSL Variant Classification Criteria 13 December 2019. Collection method: clinical testing. Allele origin: germline.

Breakthrough Genomics
Classification: Uncertain significance. Review status: criteria provided, single submitter. Criteria: ACMG Guidelines, 2015. Collection method: not provided. Allele origin: germline. Inheritance: Autosomal recessive inheritance. Affected: yes.